The following is an entry in ClinVar:

ClinVar aggregate classification (germline): Conflicting classifications of pathogenicity. Review status: criteria provided, conflicting classifications (1 of 4 stars). 3 submissions from 3 submitters: Uncertain significance (2); Likely benign (1). Last evaluated 2025-11-25.

Conditions:
Ullrich congenital muscular dystrophy 2 (UCMD2). Identifiers: Orphanet 75840, MedGen C4225314, MONDO:0014654, OMIM 616470.
Bethlem myopathy 2 (BTHLM2). Identifiers: Orphanet 536516, Orphanet 610, MedGen C4225313, MONDO:0034022, OMIM 616471.
Inborn genetic diseases. Identifiers: MedGen C0950123, MeSH D030342.

Allele frequency attached by ClinVar (database versions not stated): gnomAD 0.00001; gnomAD exomes 0.00004 and 0.00003; TOPMed 0.00002; ExAC 0.00003.

Submissions (3):

Ambry Genetics
Classification: Uncertain significance for Inborn genetic diseases. Last evaluated: 2025-11-25. Review status: criteria provided, single submitter. Criteria: Ambry Variant Classification Scheme 2023. Collection method: clinical testing. Allele origin: germline.

Labcorp Genetics (formerly Invitae), Labcorp
Classification: Likely benign for Bethlem myopathy 2; Ullrich congenital muscular dystrophy 2. Last evaluated: 2025-10-11. Review status: criteria provided, single submitter. Criteria: Invitae Variant Classification Sherloc (09022015). Collection method: clinical testing. Allele origin: germline.

GeneDx
Classification: Uncertain significance. Last evaluated: 2019-04-08. Review status: criteria provided, single submitter. Criteria: GeneDx Variant Classification Process June 2021. Collection method: clinical testing. Allele origin: germline. Affected: yes.
Comment: Has not been previously published as pathogenic or benign to our knowledge; In silico analysis, which includes protein predictors and evolutionary conservation, supports that this variant does not alter protein structure/function

NM_004370.6(COL12A1):c.5510G>A (p.Gly1837Glu)

Gene: COL12A1 (collagen type XII alpha 1 chain; minus strand). Cytogenetic location: 6q13.
Variant type: single nucleotide variant.
Coding change: c.5510G>A on transcript NM_004370.6 (MANE Select); coding-DNA position 5510, G replaced by A.
Protein change: p.Gly1837Glu; replaces glycine 1837 with glutamic acid.
Molecular consequence: missense variant.
Genome position (GRCh38, 1-based): chr6:75,134,740, C>T on the plus strand (G>A on the coding strand, the complement: COL12A1 is on the minus strand). VCF-style: chr6-75134740-C-T. GRCh37 (hg19) VCF-style: chr6-75844456-C-T.
Other names: c.2018G>A, p.Gly673Glu (NM_080645.3); short protein forms G1837E, G673E.
Identifiers: ClinVar variation 1053823 (VCV001053823.10), dbSNP rs757825778, ClinGen allele CA3893113.
Genomic context (GRCh38, chr6:75,134,740, plus strand): 5'-TAATAGTAGCTATTAAAGAAGCTATAGGAACTCAGGTTTCACTTACTGGTCTTGCCTCTT[C>T]CCGTCATCCGACCTCCTTCACCATCAGGATACAGAGAGGATACGGTGATAGTGTAAGGAG-3'
Protein context (NP_004361.3, residues 1827-1847): YPDGEGGRMT[Gly1837Glu]RGKTKPLNTV